The following is an entry in ClinVar:

ClinVar aggregate classification (germline): Uncertain significance. Review status: criteria provided, multiple submitters, no conflicts (2 of 4 stars). 3 submissions from 3 submitters: Uncertain significance (3). Last evaluated 2025-12-13.

Conditions:
Inborn genetic diseases. Identifiers: MedGen C0950123, MeSH D030342.
Hermansky-Pudlak syndrome 2 (HPS2). Also called: Platelet defects and oculocutaneous albinism. Identifiers: Orphanet 183678, Orphanet 79430, MedGen C1842362, MONDO:0011997, OMIM 608233.

Allele frequency attached by ClinVar (database versions not stated): gnomAD 0.00002; TOPMed 0.00004; ExAC 0.00011; gnomAD exomes 0.00011.
gnomAD v4.1: 30 of 1,613,702 alleles (0.0019%); highest among the groups gnomAD compares: Admixed American, 0.043%; no homozygotes.

Submissions (3):

Labcorp Genetics (formerly Invitae), Labcorp
Classification: Uncertain significance for Hermansky-Pudlak syndrome 2. Last evaluated: 2025-12-13. Review status: criteria provided, single submitter. Criteria: Invitae Variant Classification Sherloc (09022015). Collection method: clinical testing. Allele origin: germline.
Comment: This sequence change replaces methionine, which is neutral and non-polar, with lysine, which is basic and polar, at codon 471 of the AP3B1 protein (p.Met471Lys). This variant is present in population databases (rs771964089, gnomAD 0.08%). This variant has not been reported in the literature in individuals affected with AP3B1-related conditions. ClinVar contains an entry for this variant (Variation ID: 625886). An algorithm developed to predict the effect of missense changes on protein structure and function (PolyPhen-2) suggests that this variant is likely to be tolerated. In summary, the available evidence is currently insufficient to determine the role of this variant in disease. Therefore, it has been classified as a Variant of Uncertain Significance.

Ambry Genetics
Classification: Uncertain significance for Inborn genetic diseases. Last evaluated: 2024-01-23. Review status: criteria provided, single submitter. Criteria: Ambry Variant Classification Scheme 2023. Collection method: clinical testing. Allele origin: germline.

Center for Genomics, Ann and Robert H. Lurie Children's Hospital of Chicago
Classification: Uncertain significance for Hermansky-Pudlak syndrome 2. Last evaluated: 2021-03-30. Review status: criteria provided, single submitter. Criteria: ACMG Guidelines, 2015. Collection method: clinical testing. Allele origin: germline.
Comment: AP3B1 NM_003664.4 exon 14 p.Met471Lys (c.1412T>A): This variant has not been reported in the literature and is present in 0.07% (26/34586) of Latino alleles in the Genome Aggregation Database. Evolutionary conservation and computational predictive tools suggest that this variant may not impact the protein. In summary, data on this variant is insufficient for disease classification. Therefore, the clinical significance of this variant is uncertain.

NM_003664.5(AP3B1):c.1412T>A (p.Met471Lys)

Gene: AP3B1 (adaptor related protein complex 3 subunit beta 1; minus strand). Cytogenetic location: 5q14.1.
Variant type: single nucleotide variant.
Coding change: c.1412T>A on transcript NM_003664.5 (MANE Select); coding-DNA position 1412, T replaced by A.
Protein change: p.Met471Lys; replaces methionine 471 with lysine.
Molecular consequence: missense variant.
Genome position (GRCh38, 1-based): chr5:78,156,319, A>T on the plus strand (T>A on the coding strand, the complement: AP3B1 is on the minus strand). VCF-style: chr5-78156319-A-T. GRCh37 (hg19) VCF-style: chr5-77452143-A-T.
Other names: c.1265T>A, p.Met422Lys (NM_001271769.2); c.1412T>A (NM_003664.3); short protein forms M471K, M422K.
Identifiers: ClinVar variation 625886 (VCV000625886.6), dbSNP rs771964089, ClinGen allele CA3317073.